The following is an entry in ClinVar:

ClinVar aggregate classification (germline): Pathogenic/Likely pathogenic. Review status: criteria provided, multiple submitters, no conflicts (2 of 4 stars). 2 submissions from 2 submitters: Pathogenic (1); Likely pathogenic (1). Last evaluated 2024-03-07.

Conditions:
Pituitary adenoma 5, multiple types. Identifiers: MedGen C4539685, MONDO:0054601, OMIM 617540.

Submissions (2):

Baylor Genetics
Classification: Likely pathogenic for Pituitary adenoma 5, multiple types. Last evaluated: 2024-03-07. Review status: criteria provided, single submitter. Criteria: ACMG Guidelines, 2015. Collection method: clinical testing. Allele origin: unknown.

Labcorp Genetics (formerly Invitae), Labcorp
Classification: Pathogenic. Last evaluated: 2023-12-01. Review status: criteria provided, single submitter. Criteria: Invitae Variant Classification Sherloc (09022015). Collection method: clinical testing. Allele origin: germline.
Comment: This sequence change creates a premature translational stop signal (p.Leu2335Cysfs*38) in the CDH23 gene. It is expected to result in an absent or disrupted protein product. Loss-of-function variants in CDH23 are known to be pathogenic (PMID: 11138009, 21940737). This variant is present in population databases (no rsID available, gnomAD 0.0009%). This variant has not been reported in the literature in individuals affected with CDH23-related conditions. ClinVar contains an entry for this variant (Variation ID: 948495). For these reasons, this variant has been classified as Pathogenic.

Literature cited by the submitters: PubMed 11138009 (cited by Labcorp Genetics (formerly Invitae), Labcorp); PubMed 21940737 (cited by Labcorp Genetics (formerly Invitae), Labcorp).

NM_022124.6(CDH23):c.7003del (p.Leu2335fs)

Gene: CDH23 (cadherin related 23; plus strand). Cytogenetic location: 10q22.1.
Variant type: Deletion.
Coding change: c.7003del on transcript NM_022124.6 (MANE Select); coding-DNA position 7003, one base deleted (C; older notation c.7003delC).
Protein change: p.Leu2335fs; shifts the reading frame from leucine 2335.
Molecular consequence: frameshift variant.
Genome position (GRCh38, 1-based): chr10:71,798,527, C deleted; the last of 3 consecutive C bases (chr10:71,798,525-71,798,527); deleting any one gives the same sequence. VCF-style (leftmost placement, unchanged base first): chr10-71798524-AC-A. GRCh37 (hg19) VCF-style: chr10-73558281-AC-A.
Other names: c.283del, p.Leu95fs (NM_001171933.1, NM_001171934.1); short protein forms L95fs, L2335fs.
Identifiers: ClinVar variation 948495 (VCV000948495.8), dbSNP rs1379171478, ClinGen allele CA594706180.